The following is an entry in ClinVar:

ClinVar aggregate classification (germline): Likely pathogenic (1 of 4 stars; one submission).

Submission:

GeneDx
Classification: Likely pathogenic. Last evaluated: 2022-02-14. Review status: criteria provided, single submitter. Criteria: GeneDx Variant Classification Process June 2021. Collection method: clinical testing. Allele origin: germline. Affected: yes.
Comment: Nonsense variant predicted to result in protein truncation or nonsense mediated decay in a gene for which loss-of-function is a known mechanism of disease; Not observed at significant frequency in large population cohorts (gnomAD); Reported in an individual with adult onset cataract but the variant was seen in both affected and unaffected family members (Reis et al., 2013); This variant is associated with the following publications: (PMID: 23508780)

NM_006891.4(CRYGD):c.51T>G (p.Tyr17Ter)

Genes: CRYGD (crystallin gamma D; minus strand), LOC100507443 (uncharacterized LOC100507443; plus strand). Cytogenetic location: 2q33.3.
Variant type: single nucleotide variant.
Coding change: c.51T>G on transcript NM_006891.4 (MANE Select); coding-DNA position 51, T replaced by G.
Protein change: p.Tyr17Ter; replaces tyrosine 17 with a stop codon.
Molecular consequence: nonsense.
Genome position (GRCh38, 1-based): chr2:208,124,313, A>C on the plus strand (T>G on the coding strand, the complement: CRYGD is on the minus strand). VCF-style: chr2-208124313-A-C. GRCh37 (hg19) VCF-style: chr2-208989037-A-C.
Other names: short protein forms Y17*.
Identifiers: ClinVar variation 1300288 (VCV001300288.3), dbSNP rs2242074, ClinGen allele CA350092999.
Genomic context (GRCh38, chr2:208,124,313, plus strand): 5'-GCGCGCCGAGTTGCAGCGGCTCAAGTAGGGCTGCAGGTTGGGGTGGTCGCTGCTGCATTC[A>C]TAGTGGCGGCCCTGGAAGCCCCGGTCCTCGTAGAGGGTGATCTGCAAGGCAAGGCGGGAC-3'